The following is an entry in ClinVar:

NM_000540.3(RYR1):c.9892G>A (p.Ala3298Thr)

Gene: RYR1 (ryanodine receptor 1; plus strand). Cytogenetic location: 19q13.2.
Variant type: single nucleotide variant.
Coding change: c.9892G>A on transcript NM_000540.3 (MANE Select); coding-DNA position 9892, G replaced by A.
Protein change: p.Ala3298Thr; replaces alanine 3298 with threonine.
Molecular consequence: missense variant.
Genome position (GRCh38, 1-based): chr19:38,517,565, G>A. VCF-style: chr19-38517565-G-A. GRCh37 (hg19) VCF-style: chr19-39008205-G-A.
Other names: c.9892G>A, p.Ala3298Thr (NM_001042723.2); short protein forms A3298T.
Identifiers: ClinVar variation 590640 (VCV000590640.18), dbSNP rs544339193, ClinGen allele CA074292.

ClinVar aggregate classification (germline): Conflicting classifications of pathogenicity. Review status: criteria provided, conflicting classifications (1 of 4 stars). 7 submissions from 7 submitters: Pathogenic (1); Likely pathogenic (2); Uncertain significance (4). Last evaluated 2026-08-06.

Conditions:
Congenital multicore myopathy with external ophthalmoplegia (CMYO1B). Also called: MULTIMINICORE DISEASE WITH EXTERNAL OPHTHALMOPLEGIA; Minicore myopathy with external ophthalmoplegia; MULTICORE MYOPATHY; Minicore myopathy; Congenital myopathy 1B, autosomal recessive. Identifiers: Orphanet 598, Orphanet 98905, MedGen C1850674, MONDO:0009712, OMIM 255320, HP:0003789.
Congenital myopathy with fiber type disproportion. Also called: Congenital fiber-type disproportion myopathy; Congenital fiber-type disproportion. Identifiers: Orphanet 2020, MedGen C0546264, MONDO:0009711. Inheritance: all.
Central core myopathy (CMYO1A). Also called: Central core disease; Myopathy, central fibrillar; CONGENITAL MYOPATHY 1A, AUTOSOMAL DOMINANT, WITH SUSCEPTIBILITY TO MALIGNANT HYPERTHERMIA. Identifiers: Orphanet 597, MedGen C5830701, MONDO:0007294, OMIM 117000.
Malignant hyperthermia, susceptibility to, 1 (MHS1). Also called: Anesthesia related hyperthermia; Malignant hyperpyrexia; Fulminating hyperpyrexia; Pharmacogenic myopathy; RYR1-Related Malignant Hyperthermia Susceptibility; Malignant hyperthermia suceptibility 1. Identifiers: Orphanet 423, MedGen C2930980, MONDO:0007783, OMIM 145600.
King Denborough syndrome (KDS). Identifiers: MedGen C1840365, MONDO:0020485, OMIM 619542.
RYR1-related disorder. Also called: RYR1-related disorders; RYR1-related condition. Identifiers: MedGen CN239331.
Centronuclear myopathy (CNM). Also called: Myotubular myopathy; Centronuclear myopathy, congenital. Identifiers: Orphanet 595, MedGen C0175709, MONDO:0018947. Inheritance: All.

Allele frequency attached by ClinVar (database versions not stated): 1000 Genomes Project 0.00020; gnomAD 0.00002 and 0.00003; ExAC 0.00010; TOPMed 0.00002; 1000 Genomes Project 30x 0.00016; gnomAD exomes 0.00006.
gnomAD v4.1: 46 of 1,612,550 alleles (0.0029%); highest among the groups gnomAD compares: South Asian, 0.032%; no homozygotes.

Submissions (7):

OLLIN Analises Genomicas, OLLIN
Classification: Uncertain significance for Central core myopathy. Last evaluated: 2026-08-06. Review status: criteria provided, single submitter. Criteria: ACMG Guidelines 2015 PMID 25741868. Collection method: clinical testing. Allele origin: germline. Inheritance: Autosomal dominant inheritance.
Comment: This missense variant, located in exon 66 (of 106), has been reported in ClinVar (accession VCV000590640.17) and in gnomAD with an allele frequency of 0.0029%. However, to our knowledge, it has not been reported in the scientific literature. In silico analysis predicts that this variant has a tolerated effect. According to the currently available evidence, this variant has been classified as uncertain significance (PP1, BP4).

Women's Health and Genetics/Laboratory Corporation of America, LabCorp
Classification: Likely pathogenic for Congenital multicore myopathy with external ophthalmoplegia. Last evaluated: 2026-01-07. Review status: criteria provided, single submitter. Criteria: LabCorp Variant Classification Summary - May 2015. Collection method: clinical testing. Allele origin: germline.
Comment: Variant summary: RYR1 c.9892G>A (p.Ala3298Thr) results in a non-conservative amino acid change in the encoded protein sequence. Algorithms developed to predict the effect of missense changes on protein structure and function are either unavailable or do not agree on the potential impact of this missense change. The variant allele was found at a frequency of 6e-05 in 248180 control chromosomes. This frequency is not significantly higher than estimated for disease-causing variants in RYR1, allowing no conclusion about variant significance. c.9892G>A has been observed in individual(s) affected with autosomal recessive RYR1-related myopathy (Abath Neto_2017, Garibaldi_2019, internal testing). These data indicate that the variant is likely to be associated with disease. To our knowledge, no experimental evidence demonstrating an impact on protein function has been reported. The following publications have been ascertained in the context of this evaluation (PMID: 28818389, 30611313). ClinVar contains an entry for this variant (Variation ID: 590640). Based on the evidence outlined above, the variant was classified as likely pathogenic.

Labcorp Genetics (formerly Invitae), Labcorp
Classification: Pathogenic for RYR1-related disorder. Last evaluated: 2025-12-15. Review status: criteria provided, single submitter. Criteria: Invitae Variant Classification Sherloc (09022015). Collection method: clinical testing. Allele origin: germline.
Comment: This sequence change replaces alanine, which is neutral and non-polar, with threonine, which is neutral and polar, at codon 3298 of the RYR1 protein (p.Ala3298Thr). This variant is present in population databases (rs544339193, gnomAD 0.05%). This missense change has been observed in individual(s) with clinical features of autosomal recessive RYR1-related myopathy (PMID: 28818389, 30611313; internal data). In at least one individual the data is consistent with being in trans (on the opposite chromosome) from a pathogenic variant. It has also been observed to segregate with disease in related individuals. ClinVar contains an entry for this variant (Variation ID: 590640). Invitae Evidence Modeling of protein sequence and biophysical properties (such as structural, functional, and spatial information, amino acid conservation, physicochemical variation, residue mobility, and thermodynamic stability) indicates that this missense variant is not expected to disrupt RYR1 protein function with a negative predictive value of 95%. For these reasons, this variant has been classified as Pathogenic.

Muscle and Diseases Team, Institut de Génétique et Biologie Moléculaire et Cellulaire
Classification: Likely pathogenic for Centronuclear myopathy. Last evaluated: 2024-03-01. Review status: criteria provided, single submitter. Criteria: ACMG Guidelines, 2015. Collection method: research. Allele origin: unknown. Affected: yes. Observed: 1 variant allele.
Comment: PM2+PM3+PP1+PP2

Revvity Omics, Revvity
Classification: Uncertain significance. Last evaluated: 2023-10-09. Review status: criteria provided, single submitter. Criteria: ACMG Guidelines, 2015. Collection method: clinical testing. Allele origin: germline.

Fulgent Genetics
Classification: Uncertain significance for Central core myopathy; Malignant hyperthermia, susceptibility to, 1; Congenital myopathy 4A, autosomal dominant; Congenital multicore myopathy with external ophthalmoplegia; King Denborough syndrome. Last evaluated: 2021-11-22. Review status: criteria provided, single submitter. Criteria: ACMG Guidelines, 2015. Collection method: clinical testing. Allele origin: unknown.

PreventionGenetics, part of Exact Sciences
Classification: Uncertain significance. Last evaluated: 2017-09-11. Review status: criteria provided, single submitter. Criteria: ACMG Guidelines, 2015. Collection method: clinical testing. Allele origin: germline.

Literature cited by the submitters: PubMed 30611313 (cited by Women's Health and Genetics/Laboratory Corporation of America, LabCorp and Labcorp Genetics (formerly Invitae), Labcorp); PubMed 28818389 (cited by 3 submitters); DOI 10.1186/s13073-024-01353-0 (cited by Muscle and Diseases Team, Institut de Génétique et Biologie Moléculaire et Cellulaire).